The following is an entry in ClinVar:

NM_000315.4(PTH):c.94T>C (p.Ser32Pro)

Gene: PTH (parathyroid hormone; minus strand). Cytogenetic location: 11p15.3.
Variant type: single nucleotide variant.
Coding change: c.94T>C on transcript NM_000315.4 (MANE Select); coding-DNA position 94, T replaced by C.
Protein change: p.Ser32Pro; replaces serine 32 with proline.
Molecular consequence: missense variant.
Genome position (GRCh38, 1-based): chr11:13,492,659, A>G on the plus strand (T>C on the coding strand, the complement: PTH is on the minus strand). VCF-style: chr11-13492659-A-G. GRCh37 (hg19) VCF-style: chr11-13514206-A-G.
Other names: c.190T>C, p.Ser64Pro (NM_001316352.2); short protein forms S32P, S64P.
Identifiers: ClinVar variation 4850355 (VCV004850355.1).

ClinVar aggregate classification (germline): Likely pathogenic (1 of 4 stars; one submission).

Conditions:
Hypoparathyroidism, familial isolated 1 (FIH1). Identifiers: MedGen C5241444, MONDO:0007796, OMIM 146200.

Submission:

First Genomix Gene Laboratory, Genetic Diagnostics Department
Classification: Likely pathogenic for Hypoparathyroidism, familial isolated 1. Last evaluated: 2025-09-17. Review status: criteria provided, single submitter. Criteria: ACMG Guidelines, 2015. Collection method: clinical testing. Allele origin: germline. Inheritance: Autosomal recessive inheritance. Affected: no. Observed: 1 variant allele.